The following is an entry in ClinVar:

NM_004380.3(CREBBP):c.6241C>T (p.Gln2081Ter)

Gene: CREBBP (CREB binding lysine acetyltransferase; minus strand). Cytogenetic location: 16p13.3.
Variant type: single nucleotide variant.
Coding change: c.6241C>T on transcript NM_004380.3 (MANE Select); coding-DNA position 6241, C replaced by T.
Protein change: p.Gln2081Ter; replaces glutamine 2081 with a stop codon.
Molecular consequence: nonsense.
Genome position (GRCh38, 1-based): chr16:3,728,806, G>A on the plus strand (C>T on the coding strand, the complement: CREBBP is on the minus strand). VCF-style: chr16-3728806-G-A. GRCh37 (hg19) VCF-style: chr16-3778807-G-A.
Other names: c.6127C>T, p.Gln2043Ter (NM_001079846.1); short protein forms Q2081*, Q2043*.
Identifiers: ClinVar variation 280284 (VCV000280284.4), dbSNP rs886041518, ClinGen allele CA10603392.

ClinVar aggregate classification (germline): Pathogenic/Likely pathogenic. Review status: criteria provided, multiple submitters, no conflicts (2 of 4 stars). 3 submissions from 3 submitters: Pathogenic (1); Likely pathogenic (1). 1 of the submissions does not count toward it. Last evaluated 2022-05-22.

Conditions:
Rubinstein-Taybi syndrome due to CREBBP mutations (RSTS1). Also called: BROAD THUMBS AND GREAT TOES, CHARACTERISTIC FACIES, AND IMPAIRED INTELLECTUAL DEVELOPMENT; RUBINSTEIN SYNDROME; RUBINSTEIN-TAYBI SYNDROME 1, INCOMPLETE; Rubinstein-Taybi syndrome 1; CREBBP-Related Rubinstein-Taybi Syndrome; BROAD THUMB-HALLUX SYNDROME. Identifiers: Orphanet 353277, Orphanet 783, MedGen C4551859, MONDO:0008393, OMIM 180849.
Rare genetic intellectual disability. Identifiers: Orphanet 183757, MedGen C5680527.

Submissions (3):

3billion
Classification: Likely pathogenic for Rubinstein-Taybi syndrome due to CREBBP mutations. Last evaluated: 2022-05-22. Review status: criteria provided, single submitter. Criteria: ACMG Guidelines, 2015. Collection method: clinical testing. Allele origin: germline. Affected: yes. Observed: 1 heterozygote.
Comment: The variant is not observed in the gnomAD v2.1.1 dataset. Stop-gained (nonsense): predicted to result in a loss or disruption of normal protein function through protein truncation. The predicted truncated protein may be shortened by more than 10%. The variant has been reported to be associated with CREBBP related disorder (ClinVar ID: VCV000280284). Therefore, this variant is classified as likely pathogenic according to the recommendation of ACMG/AMP guideline.

GeneDx
Classification: Pathogenic. Last evaluated: 2016-02-09. Review status: criteria provided, single submitter. Criteria: GeneDx Variant Classification (06012015). Collection method: clinical testing. Allele origin: germline. Affected: yes.
Comment: The Q2081X pathogenic variant in the CREBBP gene has not been reported previously as a pathogenic variant nor as a benign variant, to our knowledge. This variant is predicted to cause loss of normal protein function through protein truncation. The Q2081X variant was not observed in approximately 6500 individuals of European and African American ancestry in the NHLBI Exome Sequencing Project, indicating it is not a common benign variant in these populations. We interpret Q2081X as a pathogenic variant.

Service de Génétique Moléculaire, Hôpital Robert Debré
Classification: Likely pathogenic for Rare genetic intellectual disability. Review status: no assertion criteria provided. Collection method: clinical testing. Allele origin: de novo. Affected: yes. Not counted in ClinVar's aggregate classification.